The following is an entry in ClinVar:

NM_000489.6(ATRX):c.2897A>G (p.Glu966Gly)

Gene: ATRX (ATRX chromatin remodeler; minus strand). Cytogenetic location: Xq21.1.
Variant type: single nucleotide variant.
Coding change: c.2897A>G on transcript NM_000489.6 (MANE Select); coding-DNA position 2897, A replaced by G.
Protein change: p.Glu966Gly; replaces glutamic acid 966 with glycine.
Molecular consequence: missense variant.
Genome position (GRCh38, 1-based): chrX:77,682,359, T>C on the plus strand (A>G on the coding strand, the complement: ATRX is on the minus strand). VCF-style: chrX-77682359-T-C. GRCh37 (hg19) VCF-style: chrX-76937851-T-C.
Other names: c.2783A>G, p.Glu928Gly (NM_138270.5); short protein forms E928G, E966G.
Identifiers: ClinVar variation 1715165 (VCV001715165.6), dbSNP rs2519920849, ClinGen allele CA413709859.
Genomic context (GRCh38, chrX:77,682,359, plus strand): 5'-TTGCTCTGCTTTTTATCATCTTCAGAAGTTTCATCGCTCTGGTCTTTCTTTAGGAATTTC[T>C]CTGCAATATCAGATAAGCCATCCTGTACTTTTTTACATGTTTTGGTTTTGAGATGCTTGC-3'
Protein context (NP_000480.3, residues 956-976): KVQDGLSDIA[Glu966Gly]KFLKKDQSDE

ClinVar aggregate classification (germline): Uncertain significance (1 of 4 stars; one submission).

Conditions:
Alpha thalassemia-X-linked intellectual disability syndrome (ATRX). Also called: ALPHA-THALASSEMIA/MENTAL RETARDATION SYNDROME, X-LINKED; ATR, NONDELETION TYPE; X-linked alpha-thalassemia-mental retardation syndrome; ATR-X syndrome; Alpha thalassemia mental retardation syndrome, nondeletion type, X-linked; XLMR hypotonic face syndrome. Identifiers: Orphanet 847, MedGen C1845055, MONDO:0010519, OMIM 301040.

Submission:

Labcorp Genetics (formerly Invitae), Labcorp
Classification: Uncertain significance for Alpha thalassemia-X-linked intellectual disability syndrome. Last evaluated: 2022-09-21. Review status: criteria provided, single submitter. Criteria: Invitae Variant Classification Sherloc (09022015). Collection method: clinical testing. Allele origin: germline.
Comment: This variant has not been reported in the literature in individuals affected with ATRX-related conditions. This variant is not present in population databases (gnomAD no frequency). This sequence change replaces glutamic acid, which is acidic and polar, with glycine, which is neutral and non-polar, at codon 966 of the ATRX protein (p.Glu966Gly). Advanced modeling of protein sequence and biophysical properties (such as structural, functional, and spatial information, amino acid conservation, physicochemical variation, residue mobility, and thermodynamic stability) performed at Invitae indicates that this missense variant is not expected to disrupt ATRX protein function. In summary, the available evidence is currently insufficient to determine the role of this variant in disease. Therefore, it has been classified as a Variant of Uncertain Significance.